The following is an entry in ClinVar:

ClinVar aggregate classification (germline): Uncertain significance (1 of 4 stars; one submission).

Conditions:
Stormorken syndrome (STRMK). Also called: THROMBOCYTOPATHY, ASPLENIA, AND MIOSIS. Identifiers: Orphanet 3204, MedGen C1861451, MONDO:0008497, OMIM 185070.
Combined immunodeficiency due to STIM1 deficiency. Also called: STIM1 DEFICIENCY; IMMUNODEFICIENCY 10. Identifiers: Orphanet 169090, Orphanet 317430, MedGen C2748557, MONDO:0013008, OMIM 612783.
Myopathy with tubular aggregates (TAM). Also called: Tubular Aggregate Myopathy. Identifiers: Orphanet 2593, MedGen C0410207, MONDO:0008051.

Submission:

Labcorp Genetics (formerly Invitae), Labcorp
Classification: Uncertain significance for Myopathy with tubular aggregates; Combined immunodeficiency due to STIM1 deficiency; Stormorken syndrome. Last evaluated: 2023-07-13. Review status: criteria provided, single submitter. Criteria: Invitae Variant Classification Sherloc (09022015). Collection method: clinical testing. Allele origin: germline.
Comment: In summary, the available evidence is currently insufficient to determine the role of this variant in disease. Therefore, it has been classified as a Variant of Uncertain Significance. Experimental studies and prediction algorithms are not available or were not evaluated, and the effect of this variant on mRNA splicing is currently unknown. This sequence change falls in intron 10 of the STIM1 gene. It does not directly change the encoded amino acid sequence of the STIM1 protein. Information on the frequency of this variant in the gnomAD database is not available, as this variant may be reported differently in the database. This variant has not been reported in the literature in individuals affected with STIM1-related conditions.

NM_001382567.1(STIM1):c.1474+16_1474+17delinsTG

Gene: STIM1 (stromal interaction molecule 1; plus strand). Cytogenetic location: 11p15.4.
Variant type: Indel.
Coding change: c.1474+16_1474+17delinsTG on transcript NM_001382567.1 (MANE Select); bases 16 to 17 of the intron after coding-DNA position 1474, GC replaced by TG.
Molecular consequence: intron variant. On other transcripts: 3 prime UTR variant (1).
Genome position (GRCh38, 1-based): chr11:4,083,514-4,083,515, GC replaced by TG. VCF-style: chr11-4083514-GC-TG. GRCh37 (hg19) VCF-style: chr11-4104744-GC-TG.
Other names: c.985+16_985+17delinsTG (NM_001382580.1, NM_001382581.1); c.1252+16_1252+17delinsTG (NM_001382576.1, NM_001382566.1, NM_001382579.1 and 3 more transcripts); c.*8_*9delinsTG (NM_001382573.1); c.1495+16_1495+17delinsTG (NM_001382568.1); c.1474+16_1474+17delinsTG (NM_001277962.2, NM_003156.4, NM_001277961.3); c.1246+16_1246+17delinsTG (NM_001382570.1); c.1339+16_1339+17delinsTG (NM_001382569.1); c.994+16_994+17delinsTG (NM_001382571.1).
Identifiers: ClinVar variation 2951802 (VCV002951802.3), dbSNP rs2498479649, ClinGen allele CA2740093592.